The following is an entry in ClinVar:

ClinVar aggregate classification (germline): Uncertain significance. Review status: criteria provided, multiple submitters, no conflicts (2 of 4 stars). 5 submissions from 5 submitters: Uncertain significance (5). Last evaluated 2025-08-19.

Conditions:
Familial thoracic aortic aneurysm and aortic dissection (TAAD). Also called: Thoracic aortic aneurysms and dissections. Identifiers: Orphanet 91387, MedGen C4707243, MONDO:0019625.
Arterial tortuosity syndrome (ATORS). Identifiers: Orphanet 3342, MedGen C1859726, MONDO:0008818, OMIM 208050.

Allele frequency attached by ClinVar (database versions not stated): gnomAD 0.00002 and 0.00003; ExAC 0.00004; gnomAD exomes 0.00004 and 0.00007; TOPMed 0.00006; ESP Exome Variant Server 0.00008.
gnomAD v4.1: 63 of 1,613,924 alleles (0.0039%); highest among the groups gnomAD compares: South Asian, 0.0088%; no homozygotes.

Submissions (5):

GeneDx
Classification: Uncertain significance. Last evaluated: 2025-08-19. Review status: criteria provided, single submitter. Criteria: GeneDx Variant Classification Process June 2021. Collection method: clinical testing. Allele origin: germline. Affected: yes.
Comment: Has not been previously published as pathogenic or benign to our knowledge; In silico analysis suggests that this missense variant does not alter protein structure/function; Not observed at significant frequency in large population cohorts (gnomAD)

Women's Health and Genetics/Laboratory Corporation of America, LabCorp
Classification: Uncertain significance. Last evaluated: 2024-11-21. Review status: criteria provided, single submitter. Criteria: LabCorp Variant Classification Summary - May 2015. Collection method: clinical testing. Allele origin: germline.

Ambry Genetics
Classification: Uncertain significance for Familial thoracic aortic aneurysm and aortic dissection. Last evaluated: 2024-02-09. Review status: criteria provided, single submitter. Criteria: Ambry Variant Classification Scheme 2023. Collection method: clinical testing. Allele origin: germline.
Comment: The p.A539V variant (also known as c.1616C>T), located in coding exon 5 of the SLC2A10 gene, results from a C to T substitution at nucleotide position 1616. The alanine at codon 539 is replaced by valine, an amino acid with similar properties. This amino acid position is poorly conserved in available vertebrate species. In addition, this alteration is predicted to be tolerated by in silico analysis. Since supporting evidence is limited at this time, the clinical significance of this variant remains unclear.

Mayo Clinic Laboratories, Mayo Clinic
Classification: Uncertain significance. Last evaluated: 2023-05-25. Review status: criteria provided, single submitter. Criteria: ACMG Guidelines, 2015. Collection method: clinical testing. Allele origin: germline. Observed: 1 variant allele.
Comment: BP4_strong

Labcorp Genetics (formerly Invitae), Labcorp
Classification: Uncertain significance for Arterial tortuosity syndrome. Last evaluated: 2022-06-29. Review status: criteria provided, single submitter. Criteria: Invitae Variant Classification Sherloc (09022015). Collection method: clinical testing. Allele origin: germline.
Comment: This sequence change replaces alanine, which is neutral and non-polar, with valine, which is neutral and non-polar, at codon 539 of the SLC2A10 protein (p.Ala539Val). This variant is present in population databases (rs140312420, gnomAD 0.01%). This variant has not been reported in the literature in individuals affected with SLC2A10-related conditions. ClinVar contains an entry for this variant (Variation ID: 213743). Advanced modeling of protein sequence and biophysical properties (such as structural, functional, and spatial information, amino acid conservation, physicochemical variation, residue mobility, and thermodynamic stability) performed at Invitae indicates that this missense variant is not expected to disrupt SLC2A10 protein function. In summary, the available evidence is currently insufficient to determine the role of this variant in disease. Therefore, it has been classified as a Variant of Uncertain Significance.

NM_030777.4(SLC2A10):c.1616C>T (p.Ala539Val)

Gene: SLC2A10 (solute carrier family 2 member 10; plus strand). Cytogenetic location: 20q13.12.
Variant type: single nucleotide variant.
Coding change: c.1616C>T on transcript NM_030777.4 (MANE Select); coding-DNA position 1616, C replaced by T.
Protein change: p.Ala539Val; replaces alanine 539 with valine.
Molecular consequence: missense variant.
Genome position (GRCh38, 1-based): chr20:46,733,824, C>T. VCF-style: chr20-46733824-C-T. GRCh37 (hg19) VCF-style: chr20-45362463-C-T.
Other names: p.A539V:GCG>GTG; p.Ala539Val; short protein forms A539V.
Identifiers: ClinVar variation 213743 (VCV000213743.17), dbSNP rs140312420, ClinGen allele CA325236.